The following is an entry in ClinVar:

ClinVar aggregate classification (germline): Uncertain significance. Review status: criteria provided, multiple submitters, no conflicts (2 of 4 stars). 2 submissions from 2 submitters: Uncertain significance (2). Last evaluated 2025-02-20.

Allele frequency attached by ClinVar (database versions not stated): ExAC 0.00002; TOPMed 0.00002; gnomAD 0.00003; gnomAD exomes 0.00005.
gnomAD v4.1: 84 of 1,614,148 alleles (0.0052%); highest among the groups gnomAD compares: Middle Eastern, 0.033%; no homozygotes.

Submissions (2):

Ambry Genetics
Classification: Uncertain significance. Last evaluated: 2025-02-20. Review status: criteria provided, single submitter. Criteria: Ambry Variant Classification Scheme 2023. Collection method: clinical testing. Allele origin: germline.

Labcorp Genetics (formerly Invitae), Labcorp
Classification: Uncertain significance. Last evaluated: 2022-11-03. Review status: criteria provided, single submitter. Criteria: Invitae Variant Classification Sherloc (09022015). Collection method: clinical testing. Allele origin: germline.
Comment: In summary, the available evidence is currently insufficient to determine the role of this variant in disease. Therefore, it has been classified as a Variant of Uncertain Significance. Algorithms developed to predict the effect of missense changes on protein structure and function are either unavailable or do not agree on the potential impact of this missense change (SIFT: "Deleterious"; PolyPhen-2: "Possibly Damaging"; Align-GVGD: "Class C15"). This variant has not been reported in the literature in individuals affected with ATRIP-related conditions. This variant is present in population databases (rs768083756, gnomAD 0.004%). This sequence change replaces leucine, which is neutral and non-polar, with phenylalanine, which is neutral and non-polar, at codon 542 of the ATRIP protein (p.Leu542Phe).

NM_130384.3(ATRIP):c.1624C>T (p.Leu542Phe)

Genes: ATRIP (ATR interacting protein; plus strand), ATRIP-TREX1 (ATRIP-TREX1 readthrough; plus strand). Cytogenetic location: 3p21.31.
Variant type: single nucleotide variant.
Coding change: c.1624C>T on transcript NM_130384.3 (MANE Select); coding-DNA position 1624, C replaced by T.
Protein change: p.Leu542Phe; replaces leucine 542 with phenylalanine.
Molecular consequence: missense variant. On other transcripts: non-coding transcript variant (1).
Genome position (GRCh38, 1-based): chr3:48,460,678, C>T. VCF-style: chr3-48460678-C-T. GRCh37 (hg19) VCF-style: chr3-48502077-C-T.
Other names: c.1624C>T (NM_130384.1); c.1243C>T, p.Leu415Phe (NM_001271022.2); c.1345C>T, p.Leu449Phe (NM_001271023.2); c.1624C>T, p.Leu542Phe (NM_032166.4); short protein forms L415F, L449F, L542F.
Identifiers: ClinVar variation 2185167 (VCV002185167.6), dbSNP rs768083756, ClinGen allele CA2376235.